The following is an entry in ClinVar:

NM_001127222.2(CACNA1A):c.1969A>G (p.Ile657Val)

Gene: CACNA1A (calcium voltage-gated channel subunit alpha1 A; minus strand). Cytogenetic location: 19p13.13.
Variant type: single nucleotide variant.
Coding change: c.1969A>G on transcript NM_001127222.2 (MANE Select); coding-DNA position 1969, A replaced by G.
Protein change: p.Ile657Val; replaces isoleucine 657 with valine.
Molecular consequence: missense variant.
Genome position (GRCh38, 1-based): chr19:13,307,799, T>C on the plus strand (A>G on the coding strand, the complement: CACNA1A is on the minus strand). VCF-style: chr19-13307799-T-C. GRCh37 (hg19) VCF-style: chr19-13418613-T-C.
Other names: c.1972A>G, p.Ile658Val (NM_000068.4, NM_001127221.2, NM_001174080.2 and 1 more transcripts); short protein forms I657V, I658V.
Identifiers: ClinVar variation 1024456 (VCV001024456.7), dbSNP rs375173544, ClinGen allele CA305511626.

ClinVar aggregate classification (germline): Uncertain significance (1 of 4 stars; one submission).

Conditions:
Developmental and epileptic encephalopathy, 42 (DEE42A). Also called: DEVELOPMENTAL AND EPILEPTIC ENCEPHALOPATHY 42A; EPILEPTIC ENCEPHALOPATHY, EARLY INFANTILE, 42A; Epileptic encephalopathy, early infantile, 42. Identifiers: MedGen C4310716, MONDO:0014917, OMIM 617106.
Episodic ataxia type 2 (EA2). Also called: ACETAZOLAMIDE-RESPONSIVE HEREDITARY PAROXYSMAL CEREBELLAR ATAXIA; EPISODIC ATAXIA, NYSTAGMUS-ASSOCIATED; ATAXIA, EPISODIC, WITH NYSTAGMUS; ATAXIA, FAMILIAL PAROXYSMAL; CEREBELLAR ATAXIA, PAROXYSMAL, ACETAZOLAMIDE-RESPONSIVE; CEREBELLOPATHY, HEREDITARY PAROXYSMAL. Identifiers: Orphanet 97, MedGen C1720416, MONDO:0007163, OMIM 108500.

Allele frequency attached by ClinVar (database versions not stated): gnomAD exomes below 0.00001; TOPMed 0.00001; ESP Exome Variant Server 0.00008.
gnomAD v4.1: 1 of 1,613,982 alleles (0.000062%); highest among the groups gnomAD compares: Non-Finnish European, 0.000085%; no homozygotes.

Submission:

Labcorp Genetics (formerly Invitae), Labcorp
Classification: Uncertain significance for Developmental and epileptic encephalopathy, 42; Episodic ataxia type 2. Last evaluated: 2024-10-15. Review status: criteria provided, single submitter. Criteria: Invitae Variant Classification Sherloc (09022015). Collection method: clinical testing. Allele origin: germline.
Comment: This sequence change replaces isoleucine, which is neutral and non-polar, with valine, which is neutral and non-polar, at codon 658 of the CACNA1A protein (p.Ile658Val). This variant is not present in population databases (gnomAD no frequency). This variant has not been reported in the literature in individuals affected with CACNA1A-related conditions. ClinVar contains an entry for this variant (Variation ID: 1024456). Invitae Evidence Modeling of protein sequence and biophysical properties (such as structural, functional, and spatial information, amino acid conservation, physicochemical variation, residue mobility, and thermodynamic stability) has been performed for this missense variant. However, the output from this modeling did not meet the statistical confidence thresholds required to predict the impact of this variant on CACNA1A protein function. In summary, the available evidence is currently insufficient to determine the role of this variant in disease. Therefore, it has been classified as a Variant of Uncertain Significance.